The following is an entry in ClinVar:

NM_015599.3(PGM3):c.-2-238del

Gene: PGM3 (phosphoglucomutase 3; minus strand). Cytogenetic location: 6q14.1.
Variant type: Deletion.
Coding change: c.-2-238del on transcript NM_015599.3 (MANE Select); 238 bases into the intron before 2 bases upstream of the start codon, one base deleted (G; older notation c.-2-238delG).
Molecular consequence: intron variant. On other transcripts: frameshift variant (2).
Genome position (GRCh38, 1-based): chr6:83,191,252, C deleted on the plus strand (G on the coding strand, the reverse complement: PGM3 is on the minus strand); the first of 4 consecutive C bases (chr6:83,191,252-83,191,255); deleting any one gives the same sequence. VCF-style (leftmost placement, unchanged base first): chr6-83191251-TC-T. GRCh37 (hg19) VCF-style: chr6-83900970-TC-T.
Other names: c.17del, p.Gly6fs (NM_001199917.2, NM_001367287.1); c.-40+1927del (NM_001199918.2); c.-2-238del (NM_001367286.1, NM_001199919.2); short protein forms G6fs.
Identifiers: ClinVar variation 1350279 (VCV001350279.6), dbSNP rs2128509412, ClinGen allele CA2573141205.

ClinVar aggregate classification (germline): Pathogenic (1 of 4 stars; one submission).

Conditions:
Immunodeficiency 23 (IMD23). Also called: IMMUNODEFICIENCY WITH HYPER IgE AND COGNITIVE IMPAIRMENT; IMMUNODEFICIENCY-VASCULITIS-MYOCLONUS SYNDROME. Identifiers: Orphanet 443811, MedGen C4014371, MONDO:0014353, OMIM 615816.

Submission:

Labcorp Genetics (formerly Invitae), Labcorp
Classification: Pathogenic for Immunodeficiency 23. Last evaluated: 2025-08-18. Review status: criteria provided, single submitter. Criteria: Invitae Variant Classification Sherloc (09022015). Collection method: clinical testing. Allele origin: germline.
Comment: This sequence change creates a premature translational stop signal (p.Gly6Aspfs*22) in the PGM3 gene. It is expected to result in an absent or disrupted protein product. Loss-of-function variants in PGM3 are known to be pathogenic (PMID: 17548465, 24589341, 24931394). This variant is not present in population databases (gnomAD no frequency). This variant has not been reported in the literature in individuals affected with PGM3-related conditions. ClinVar contains an entry for this variant (Variation ID: 1350279). For these reasons, this variant has been classified as Pathogenic.

Literature cited by the submitters: PubMed 17548465; PubMed 24589341; PubMed 24931394.